The following is an entry in ClinVar:

ClinVar aggregate classification (germline): Pathogenic. Review status: reviewed by expert panel (3 of 4 stars). 30 submissions from 29 submitters: Pathogenic (1). 29 of the submissions do not count toward it. Last evaluated 2024-11-26.

Conditions:
ATM-related disorder. Also called: ATM-related disorders; ATM-related condition.
Gastric cancer. Also called: Malignant tumor of stomach; Stomach cancer. Identifiers: MedGen C0024623, MeSH D013274, MONDO:0001056, OMIM 613659, HP:0012126.
Inherited prostate cancer.
ATM-related cancer predisposition. Also called: ATM-related cancer susceptibility. Identifiers: MedGen CN377759, MONDO:0700270.
Familial cancer of breast. Also called: hereditary breast carcinoma; BREAST CANCER, FAMILIAL; Hereditary breast cancer. Identifiers: Orphanet 227535, MedGen C0346153, MONDO:0016419, OMIM 114480. Disease mechanism: loss of function.
Ataxia-telangiectasia syndrome (AT). Also called: ATAXIA-TELANGIECTASIA, COMPLEMENTATION GROUP A; ATAXIA-TELANGIECTASIA, FRESNO VARIANT; Ataxia-telangiectasia; Ataxia-telangiectasia, complementation group E; Cerebello-oculocutaneous telangiectasia; Immunodeficiency with ataxia telangiectasia. Identifiers: Orphanet 100, MedGen C0004135, MONDO:0008840, OMIM 208900.
Hereditary cancer-predisposing syndrome. Also called: Hereditary Cancer Syndrome; Tumor predisposition; Neoplastic Syndromes, Hereditary; Hereditary neoplastic syndrome. Identifiers: Orphanet 140162, MedGen C0027672, MeSH D009386, MONDO:0015356.
Breast carcinoma. Also called: Carcinoma of breast. Identifiers: MedGen C0678222, MONDO:0004989, HP:0003002.

Submissions 1 to 8 of 30:

ClinGen Hereditary Breast, Ovarian and Pancreatic Cancer Variant Curation Expert Panel, ClinGen
Classification: Pathogenic for ATM-related cancer predisposition. Last evaluated: 2024-11-26. Review status: reviewed by expert panel. Criteria: ClinGen HBOP ACMG Specifications ATM V1.3.0. Collection method: curation. Allele origin: germline. Inheritance: Autosomal dominant inheritance.
Comment: The c.8395_8404del (p.Phe2799Lysfs*4) variant in ATM is a frameshift variant in a biologically-relevant-exon predicted to cause a premature stop codon leading to nonsense mediated decay in a gene in which loss-of-function is an established disease mechanism. This alteration results in a termination codon upstream of the most C-terminus pathogenic alteration (ATM p.Arg3047*), as classified by the HBOP VCEP, and is expected to be more deleterious. This variant has been detected in at least 7 individuals with Ataxia-Telangiectasia (PMID: 9792409, 9887333, 10817650, 12815592, 19147735, 21833744, 26896183). The highest population minor allele frequency in gnomAD v2.1.1 is 0.000026 in the European (non-Finnish) population (PM2_Supporting, BS1, and BA1 are not met). In summary, this variant meets the criteria to be classified as pathogenic for autosomal dominant ATM-related cancer predisposition and autosomal recessive Ataxia-Telangiectasia based on the ACMG/AMP criteria applied as specified by the HBOP VCEP. (PVS1, PM5_supporting, PM3_Very Strong)

PreventionGenetics, part of Exact Sciences
Classification: Pathogenic for ATM-related condition. Last evaluated: 2026-07-01. Review status: criteria provided, single submitter. Criteria: ACMG Guidelines, 2015. Collection method: clinical testing. Allele origin: germline. Not counted in ClinVar's aggregate classification.
Comment: The ATM c.8395_8404del10 variant is predicted to result in a frameshift and premature protein termination (p.Phe2799Lysfs*4). This variant has been reported in multiple individuals with ataxia telangiectasia (Huang et al. 2018. PubMed ID: 29625052; Momozawa et al. 2018. PubMed ID: 30287823; Carter et al. 2018. PubMed ID: 30322717; Hutchings et al. 2019. PubMed ID: 31285527). This variant has also been reported in individuals with pancreatic cancer and colon cancer (Shindo et al. 2017. PubMed ID: 28767289; Yurgelun et al. 2015. PubMed ID: 25980754; Pearlman et al. 2017. PubMed ID: 27978560). Functional studies have shown this variant results in less than 10% of normal phosphorylation activity (Nahas et al. 2009. PubMed ID: 19147735). This variant is reported in 0.0033% of alleles in individuals of South Asian descent in gnomAD and is interpreted as pathogenic in ClinVar (Variation ID: 186242). Frameshift variants in ATM are expected to be pathogenic. This variant is interpreted as pathogenic.

Labcorp Genetics (formerly Invitae), Labcorp
Classification: Pathogenic for Ataxia-telangiectasia syndrome. Last evaluated: 2026-01-25. Review status: criteria provided, single submitter. Criteria: Invitae Variant Classification Sherloc (09022015). Collection method: clinical testing. Allele origin: germline. Not counted in ClinVar's aggregate classification.
Comment: This sequence change creates a premature translational stop signal (p.Phe2799Lysfs*4) in the ATM gene. It is expected to result in an absent or disrupted protein product. Loss-of-function variants in ATM are known to be pathogenic (PMID: 23807571, 25614872). This variant is present in population databases (rs761367329, gnomAD 0.003%). This premature translational stop signal has been observed in individual(s) with ataxia-telangiectasia (PMID: 9792409, 9887333, 10817650, 12815592, 21833744, 25980754, 27978560). This variant is also known as 839del10. ClinVar contains an entry for this variant (Variation ID: 186242). For these reasons, this variant has been classified as Pathogenic.

Dasa
Classification: Pathogenic. Last evaluated: 2026-01-23. Review status: criteria provided, single submitter. Criteria: DASA Assertion Criteria. Collection method: clinical testing. Allele origin: germline. Not counted in ClinVar's aggregate classification.
Comment: NM_000051.4(ATM):c.8395_8404del (p.Phe2799Lysfs*4) is a frameshift variant in ATM predicted to alter the reading frame and introduce a premature termination codon and is predicted to result in an absent or altered protein product. Loss of function is an established disease mechanism for ATM (PMID: 3574400; PMID: 27595995; PMID: 15928302). The affected residue or protein region has prior evidence supporting clinical relevance. This variant has been reported in individuals with ATM-related disorders (PMID: 19147735). Also, this variant is rare in population databases. Based on the currently available evidence, this variant is classified as pathogenic.

Genetics Laboratory, Great Ormond Street Hospital NHS Foundation Trust, North Thames Genomic Laboratory Hub
Classification: Pathogenic for Inherited prostate cancer. Last evaluated: 2026-01-21. Review status: criteria provided, single submitter. Criteria: CanVIG ATM Gene Specific V1.2. Collection method: clinical testing. Allele origin: germline. Affected: yes. Not counted in ClinVar's aggregate classification.
Comment: PVS1_very-strong, PM5_supporting, PM3_moderate

GeneDx
Classification: Pathogenic. Last evaluated: 2026-01-18. Review status: criteria provided, single submitter. Criteria: GeneDx Variant Classification Process June 2021. Collection method: clinical testing. Allele origin: germline. Affected: yes. Not counted in ClinVar's aggregate classification.
Comment: Frameshift variant predicted to result in protein truncation or nonsense mediated decay in a gene for which loss-of-function is a known mechanism of disease; Also known as 8395del10; Not observed at significant frequency in large population cohorts (gnomAD); Truncating variants in this gene are considered pathogenic by a well-established clinical consortium and/or database; This variant is associated with the following publications: (PMID: 10817650, 35534704, 33309985, 35892882, 36243179, 37024097, 36451132, 29906526, 32980694, 34637943, 25980754, 15039971, 27978560, 21833744, 30287823, 18718650, 30322717, 31285527, 9792409, 9887333, 22649200, 26896183, 29625052, 31948886, 33919281, 33436325, 32888943, 12815592, 28767289, 38355628, 38940262, 38917355, 38511139, 37563628)

Genetic Services Laboratory, University of Chicago
Classification: Pathogenic. Last evaluated: 2025-10-14. Review status: criteria provided, single submitter. Criteria: ACMG Guidelines, 2015. Collection method: clinical testing. Allele origin: germline. Not counted in ClinVar's aggregate classification.
Comment: The c.8395_8404del variant: Is a 10 base pair deletion in exon 57. Results in an amino acid frameshift and creates a premature stop codon 3 amino acids downstream of the change, p.Phe2799Lysfs*4. Is predicted to result in an abnormal transcript, which may be degraded, or may lead to the production of a truncated ATM protein with potentially abnormal function. Has also been reported as 8395del10 in the published literature. Has been previously described in individuals with ataxia-telangiectasia (PMID: 9792409, 9887333,12815592, 21833744, 25980754, 27978560). Reported in the gnomAD v4 database with a frequency of 0.0012% (dbSNP rs1300297318). ClinVar contains an entry for this variant (Variation ID: 186242). Has been classified as pathogenic by ClinGen Hereditary Breast, Ovarian and Pancreatic Cancer Variant Curation Expert Panel. Collectively this evidence indicates that this variant is pathogenic; however functional studies have not been performed to prove this conclusively.

Natera, Inc.
Classification: Pathogenic for Ataxia-telangiectasia. Last evaluated: 2025-09-30. Review status: criteria provided, single submitter. Criteria: Natera Variant Classification Schema (03/2026). Collection method: clinical testing. Allele origin: germline. Not counted in ClinVar's aggregate classification.
Comment: The c.8395_8404delTTTCAGTGCC variant in ATM is a frameshift variant predicted to shift the reading frame beginning at codon 2799 and leads to a stop codon 4 codons downstream. This variant is expected to result in nonsense mediated decay, truncation, or a dysfunctional protein product. This variant is rare in the general population with a frequency below the threshold expected for the associated phenotype(s). This variant has been observed in one or more individuals affected with the associated recessive disease, as either homozygous or compound heterozygous with a second variant (PMID: 21665257). Given the available evidence, this variant is classified as Pathogenic.

NM_000051.4(ATM):c.8395_8404del (p.Phe2799fs)

Genes: ATM (ATM serine/threonine kinase; plus strand), C11orf65 (chromosome 11 open reading frame 65; minus strand). Cytogenetic location: 11q22.3.
Variant type: Microsatellite.
Coding change: c.8395_8404del on transcript NM_000051.4 (MANE Select); coding-DNA positions 8395 to 8404, 10 bases deleted (TTTCAGTGCC; older notation c.8395_8404delTTTCAGTGCC).
Protein change: p.Phe2799fs; shifts the reading frame from phenylalanine 2799.
Molecular consequence: frameshift variant. On other transcripts: intron variant (2).
Genome position (GRCh38, 1-based): chr11:108,343,348-108,343,357, TTTCAGTGCC deleted; deleting any 10 consecutive bases within chr11:108,343,338-108,343,357 gives the same sequence; the c. name uses the placement nearest the transcript's 3' end. VCF-style (leftmost placement, unchanged base first): chr11-108343337-ATTTCAGTGCC-A. GRCh37 (hg19) VCF-style: chr11-108214064-ATTTCAGTGCC-A.
Other names: p.Phe2799Lysfs*4; NM_000051.4(ATM):c.8395_8404del; p.Phe2799fs; c.8395_8404delTTTCAGTGCC (NM_000051.3, NM_000051.4); c.8395_8404del (NM_000051.3); c.8395_8404del, p.Phe2799fs (NM_001351834.2); c.641-34276_641-34267del (NM_001330368.2); c.695-8055_695-8046del (NM_001351110.2); short protein forms F2799fs.
Identifiers: ClinVar variation 186242 (VCV000186242.107), dbSNP rs786202800, ClinGen allele CA194225.